The following is an entry in ClinVar:

ClinVar aggregate classification (germline): Conflicting classifications of pathogenicity. Review status: criteria provided, conflicting classifications (1 of 4 stars). 5 submissions from 5 submitters: Uncertain significance (2); Likely benign (2). 1 of the submissions does not count toward it. Last evaluated 2026-01-24.

Conditions:
Congenital bile acid synthesis defect 1 (CBAS1). Also called: 3-BETA-HYDROXY-DELTA-5-C27-STEROID OXIDOREDUCTASE DEFICIENCY. Identifiers: Orphanet 79301, MedGen C1843116, MONDO:0011906, OMIM 607765.
HSD3B7-related disorder. Also called: HSD3B7-related condition.

Allele frequency attached by ClinVar (database versions not stated): gnomAD exomes 0.00001; ExAC 0.00002; gnomAD 0.00007 and 0.00008; TOPMed 0.00008.
gnomAD v4.1: 36 of 1,613,872 alleles (0.0022%); highest among the groups gnomAD compares: African/African-American, 0.027%; no homozygotes.

Submissions (5):

Labcorp Genetics (formerly Invitae), Labcorp
Classification: Likely benign. Last evaluated: 2026-01-24. Review status: criteria provided, single submitter. Criteria: Invitae Variant Classification Sherloc (09022015). Collection method: clinical testing. Allele origin: germline.

CeGaT Center for Human Genetics Tuebingen
Classification: Likely benign. Last evaluated: 2023-10-01. Review status: criteria provided, single submitter. Criteria: CeGaT Center For Human Genetics Tuebingen Variant Classification Criteria Version 2. Collection method: clinical testing. Allele origin: germline. Affected: yes. Observed: 1 variant allele.
Comment: HSD3B7: BP4, BP7

Revvity Omics, Revvity
Classification: Uncertain significance for Congenital bile acid synthesis defect 1. Last evaluated: 2020-11-03. Review status: criteria provided, single submitter. Criteria: ACMG Guidelines, 2015. Collection method: clinical testing. Allele origin: germline.

Eurofins Ntd Llc (ga)
Classification: Uncertain significance. Last evaluated: 2018-08-03. Review status: criteria provided, single submitter. Criteria: EGL ClinVar v180209 classification definitions. Collection method: clinical testing. Allele origin: germline. Observed: 1 variant allele, 1 heterozygote.

PreventionGenetics, part of Exact Sciences
Classification: Likely benign for HSD3B7-related condition. Last evaluated: 2022-03-03. Review status: no assertion criteria provided. Collection method: clinical testing. Allele origin: germline. Not counted in ClinVar's aggregate classification.
Comment: This variant is classified as likely benign based on ACMG/AMP sequence variant interpretation guidelines (Richards et al. 2015 PMID: 25741868, with internal and published modifications).

NM_025193.4(HSD3B7):c.558G>A (p.Thr186=)

Gene: HSD3B7 (hydroxy-delta-5-steroid dehydrogenase, 3 beta- and steroid delta-isomerase 7; plus strand). Cytogenetic location: 16p11.2.
Variant type: single nucleotide variant.
Coding change: c.558G>A on transcript NM_025193.4 (MANE Select); coding-DNA position 558, G replaced by A.
Protein change: p.Thr186=; no amino-acid change (threonine 186 retained).
Molecular consequence: synonymous variant. On other transcripts: intron variant (2).
Genome position (GRCh38, 1-based): chr16:30,986,866, G>A. VCF-style: chr16-30986866-G-A. GRCh37 (hg19) VCF-style: chr16-30998187-G-A.
Other names: c.531+162G>A (NM_001142777.2, NM_001142778.2); c.558G>A (NM_025193.3).
Identifiers: ClinVar variation 598247 (VCV000598247.35), dbSNP rs760192112, ClinGen allele CA8018040.